The following is an entry in ClinVar:

ClinVar aggregate classification (germline): Uncertain significance. Review status: criteria provided, multiple submitters, no conflicts (2 of 4 stars). 2 submissions from 2 submitters: Uncertain significance (2). Last evaluated 2024-08-12.

Conditions:
Supravalvar aortic stenosis (SVAS). Also called: Supravalvar aortic stenosis, Eisenberg type. Identifiers: Orphanet 3193, MedGen C0003499, MONDO:0008504, OMIM 185500, HP:0004381.

Allele frequency attached by ClinVar (database versions not stated): ExAC 0.00001; gnomAD exomes 0.00002 and 0.00003; gnomAD 0.00003; TOPMed 0.00003; ESP Exome Variant Server 0.00008.
gnomAD v4.1: 49 of 1,614,030 alleles (0.003%); highest among the groups gnomAD compares: Admixed American, 0.015%; no homozygotes.

Submissions (2):

Labcorp Genetics (formerly Invitae), Labcorp
Classification: Uncertain significance for Supravalvar aortic stenosis. Last evaluated: 2024-08-12. Review status: criteria provided, single submitter. Criteria: Invitae Variant Classification Sherloc (09022015). Collection method: clinical testing. Allele origin: germline.
Comment: This sequence change replaces glycine, which is neutral and non-polar, with arginine, which is basic and polar, at codon 390 of the ELN protein (p.Gly390Arg). This variant is present in population databases (rs372889752, gnomAD 0.01%). This variant has not been reported in the literature in individuals affected with ELN-related conditions. ClinVar contains an entry for this variant (Variation ID: 1172881). Advanced modeling of protein sequence and biophysical properties (such as structural, functional, and spatial information, amino acid conservation, physicochemical variation, residue mobility, and thermodynamic stability) performed at Invitae indicates that this missense variant is not expected to disrupt ELN protein function with a negative predictive value of 80%. In summary, the available evidence is currently insufficient to determine the role of this variant in disease. Therefore, it has been classified as a Variant of Uncertain Significance.

Women's Health and Genetics/Laboratory Corporation of America, LabCorp
Classification: Uncertain significance. Last evaluated: 2021-06-09. Review status: criteria provided, single submitter. Criteria: LabCorp Variant Classification Summary - May 2015. Collection method: clinical testing. Allele origin: germline.
Comment: Variant summary: ELN c.1168G>A (p.Gly390Arg) results in a non-conservative amino acid change in the encoded protein sequence. Three of five in-silico tools predict a damaging effect of the variant on protein function. The variant allele was found at a frequency of 2.4e-05 in 251468 control chromosomes. The available data on variant occurrences in the general population are insufficient to allow any conclusion about variant significance. To our knowledge, no occurrence of c.1168G>A in individuals affected with Supravalvar Aortic Stenosis and no experimental evidence demonstrating its impact on protein function have been reported. No clinical diagnostic laboratories have submitted clinical-significance assessments for this variant to ClinVar after 2014. Based on the evidence outlined above, the variant was classified as uncertain significance.

NM_000501.4(ELN):c.1168G>A (p.Gly390Arg)

Gene: ELN (elastin; plus strand). Cytogenetic location: 7q11.23.
Variant type: single nucleotide variant.
Coding change: c.1168G>A on transcript NM_000501.4 (MANE Select); coding-DNA position 1168, G replaced by A.
Protein change: p.Gly390Arg; replaces glycine 390 with arginine.
Molecular consequence: missense variant.
Genome position (GRCh38, 1-based): chr7:74,056,288, G>A. VCF-style: chr7-74056288-G-A. GRCh37 (hg19) VCF-style: chr7-73470618-G-A.
Other names: c.1138G>A, p.Gly380Arg (NM_001081752.3, NM_001278917.2); c.1183G>A, p.Gly395Arg (NM_001081753.3, NM_001081754.3); c.1168G>A, p.Gly390Arg (NM_001081755.3, NM_001278912.2, NM_001278915.2 and 1 more transcripts); c.1060G>A, p.Gly354Arg (NM_001278913.2); c.1153G>A, p.Gly385Arg (NM_001278914.2); c.1126G>A, p.Gly376Arg (NM_001278916.2); c.1036G>A, p.Gly346Arg (NM_001278918.2); short protein forms G346R, G354R, G376R, G380R, G385R, G390R, G395R.
Identifiers: ClinVar variation 1172881 (VCV001172881.6), dbSNP rs372889752, ClinGen allele CA4292883.